The following is an entry in ClinVar:

ClinVar aggregate classification (germline): Likely benign (1 of 4 stars; one submission).

Allele frequency attached by ClinVar (database versions not stated): gnomAD exomes below 0.00001.
gnomAD v4.1: 1 of 1,610,782 alleles (0.000062%); highest among the groups gnomAD compares: Middle Eastern, 0.021%; no homozygotes.

Submission:

GeneDx
Classification: Likely benign. Last evaluated: 2017-01-12. Review status: criteria provided, single submitter. Criteria: GeneDx Variant Classification (06012015). Collection method: clinical testing. Allele origin: germline. Affected: yes.
Comment: This variant is considered likely benign or benign based on one or more of the following criteria: it is a conservative change, it occurs at a poorly conserved position in the protein, it is predicted to be benign by multiple in silico algorithms, and/or has population frequency not consistent with disease.

NM_004333.6(BRAF):c.1694+8C>T

Gene: BRAF (B-Raf proto-oncogene, serine/threonine kinase; minus strand). Cytogenetic location: 7q34.
Variant type: single nucleotide variant.
Coding change: c.1694+8C>T on transcript NM_004333.6 (MANE Select); 8 bases into the intron after coding-DNA position 1694, C replaced by T.
Molecular consequence: intron variant.
Genome position (GRCh38, 1-based): chr7:140,776,904, G>A on the plus strand (C>T on the coding strand, the complement: BRAF is on the minus strand). VCF-style: chr7-140776904-G-A. GRCh37 (hg19) VCF-style: chr7-140476704-G-A.
Other names: c.1694+8C>T (NM_001378474.1, NM_001378468.1, NM_001354609.2); c.1592+8C>T (NM_001378470.1); c.1430+8C>T (NM_001378475.1); c.1583+8C>T (NM_001378471.1); c.1814+8C>T (NM_001374258.1, NM_001374244.1); c.1703+8C>T (NM_001378467.1); c.1538+8C>T (NM_001378472.1, NM_001378473.1); c.1628+8C>T (NM_001378469.1).
Identifiers: ClinVar variation 378995 (VCV000378995.1), dbSNP rs1057520453, ClinGen allele CA16605676.